The following is an entry in ClinVar:

NM_000884.3(IMPDH2):c.550G>A (p.Asp184Asn)

Gene: IMPDH2 (inosine monophosphate dehydrogenase 2; minus strand). Cytogenetic location: 3p21.31.
Variant type: single nucleotide variant.
Coding change: c.550G>A on transcript NM_000884.3 (MANE Select); coding-DNA position 550, G replaced by A.
Protein change: p.Asp184Asn; replaces aspartic acid 184 with asparagine.
Molecular consequence: missense variant.
Genome position (GRCh38, 1-based): chr3:49,027,029, C>T on the plus strand (G>A on the coding strand, the complement: IMPDH2 is on the minus strand). VCF-style: chr3-49027029-C-T. GRCh37 (hg19) VCF-style: chr3-49064462-C-T.
Other names: c.550G>A, p.Asp184Asn (NM_001410759.1); c.475G>A, p.Asp159Asn (NM_001410760.1, NM_001410761.1); short protein forms D159N, D184N.
Identifiers: ClinVar variation 3363624 (VCV003363624.1).

ClinVar aggregate classification (germline): Uncertain significance (1 of 4 stars; one submission).

Submission:

GeneDx
Classification: Uncertain significance. Last evaluated: 2023-11-11. Review status: criteria provided, single submitter. Criteria: GeneDx Variant Classification Process June 2021. Collection method: clinical testing. Allele origin: germline. Affected: yes.
Comment: Not observed at significant frequency in large population cohorts (gnomAD); In silico analysis supports that this missense variant has a deleterious effect on protein structure/function; Has not been previously published as pathogenic or benign to our knowledge